The following is an entry in ClinVar:

NM_004453.4(ETFDH):c.1666C>T (p.Pro556Ser)

Gene: ETFDH (electron transfer flavoprotein dehydrogenase; plus strand). Cytogenetic location: 4q32.1.
Variant type: single nucleotide variant.
Coding change: c.1666C>T on transcript NM_004453.4 (MANE Select); coding-DNA position 1666, C replaced by T.
Protein change: p.Pro556Ser; replaces proline 556 with serine.
Molecular consequence: missense variant.
Genome position (GRCh38, 1-based): chr4:158,706,826, C>T. VCF-style: chr4-158706826-C-T. GRCh37 (hg19) VCF-style: chr4-159627978-C-T.
Other names: c.1525C>T, p.Pro509Ser (NM_001281737.2); c.1483C>T, p.Pro495Ser (NM_001281738.1); short protein forms P495S, P509S, P556S.
Identifiers: ClinVar variation 1417327 (VCV001417327.8), dbSNP rs2126316885, ClinGen allele CA358565167.

ClinVar aggregate classification (germline): Pathogenic (1 of 4 stars; one submission).

Conditions:
Multiple acyl-CoA dehydrogenase deficiency (MADD). Also called: Glutaric aciduria, type 2; Glutaric acidemia type II; GA 2; Glutaric Acidemia type 2; ETHYLMALONIC-ADIPICACIDURIA; GA II. Identifiers: Orphanet 26791, MedGen C0268596, MONDO:0009282, OMIM 231680.

Submission:

Labcorp Genetics (formerly Invitae), Labcorp
Classification: Pathogenic for Multiple acyl-CoA dehydrogenase deficiency. Last evaluated: 2021-06-13. Review status: criteria provided, single submitter. Criteria: Invitae Variant Classification Sherloc (09022015). Collection method: clinical testing. Allele origin: germline.
Comment: This variant disrupts the p.Pro556 amino acid residue in ETFDH. Other variant(s) that disrupt this residue have been determined to be pathogenic (PMID: 32925727, 30477628). This suggests that this residue is clinically significant, and that variants that disrupt this residue are likely to be disease-causing. For these reasons, this variant has been classified as Pathogenic. Advanced modeling of protein sequence and biophysical properties (such as structural, functional, and spatial information, amino acid conservation, physicochemical variation, residue mobility, and thermodynamic stability) performed at Invitae indicates that this missense variant is expected to disrupt ETFDH protein function. This variant has been observed in individual(s) with multiple acyl-CoA dehydrogenase deficiency (Invitae). This variant is not present in population databases (ExAC no frequency). This sequence change replaces proline with serine at codon 556 of the ETFDH protein (p.Pro556Ser). The proline residue is highly conserved and there is a moderate physicochemical difference between proline and serine.

Literature cited by the submitters: PubMed 32925727; PubMed 30477628.